The following is an entry in ClinVar:

NM_018942.3(HMX1):c.872del (p.Pro291fs)

Gene: HMX1 (H6 family homeobox 1; minus strand). Cytogenetic location: 4p16.1.
Variant type: Deletion.
Coding change: c.872del on transcript NM_018942.3 (MANE Select); coding-DNA position 872, one base deleted (C; older notation c.872delC).
Protein change: p.Pro291fs; shifts the reading frame from proline 291.
Molecular consequence: frameshift variant. On other transcripts: intron variant (1).
Genome position (GRCh38, 1-based): chr4:8,867,868, G deleted on the plus strand (C on the coding strand, the reverse complement: HMX1 is on the minus strand); the first of 6 consecutive G bases (chr4:8,867,868-8,867,873); deleting any one gives the same sequence. VCF-style (leftmost placement, unchanged base first): chr4-8867867-CG-C. GRCh37 (hg19) VCF-style: chr4-8869593-CG-C.
Other names: c.394+3353del (NM_001306142.2); short protein forms P291fs.
Identifiers: ClinVar variation 1515708 (VCV001515708.3), dbSNP rs1247332027, ClinGen allele CA549711909.

ClinVar aggregate classification (germline): Uncertain significance (1 of 4 stars; one submission).

Submission:

Labcorp Genetics (formerly Invitae), Labcorp
Classification: Uncertain significance. Last evaluated: 2022-03-13. Review status: criteria provided, single submitter. Criteria: Invitae Variant Classification Sherloc (09022015). Collection method: clinical testing. Allele origin: germline.
Comment: This sequence change results in a frameshift in the HMX1 gene (p.Pro291Argfs*119). While this is not anticipated to result in nonsense mediated decay, it is expected to disrupt the last 58 amino acid(s) of the HMX1 protein and extend the protein by 60 additional amino acid residues. This variant is present in population databases (no rsID available, gnomAD 0.01%). This variant has not been reported in the literature in individuals affected with HMX1-related conditions. Experimental studies and prediction algorithms are not available or were not evaluated, and the functional significance of this variant is currently unknown. In summary, the available evidence is currently insufficient to determine the role of this variant in disease. Therefore, it has been classified as a Variant of Uncertain Significance.